The following is an entry in ClinVar:

ClinVar aggregate classification (germline): Benign (1 of 4 stars; one submission).

Conditions:
Atypical hemolytic-uremic syndrome with MCP/CD46 anomaly. Also called: HEMOLYTIC UREMIC SYNDROME, ATYPICAL, SUSCEPTIBILITY TO, 2; AHUS, SUSCEPTIBILITY TO, 2. Identifiers: Orphanet 2134, MedGen C2752040, MONDO:0013040, OMIM 612922.

Allele frequency attached by ClinVar (database versions not stated): 1000 Genomes Project 30x 0.02171; gnomAD 0.00133 and 0.00288; 1000 Genomes Project 0.02316; TOPMed 0.00209.

Submission:

Illumina Laboratory Services, Illumina
Classification: Benign for Atypical hemolytic-uremic syndrome with MCP/CD46 anomaly. Last evaluated: 2018-01-12. Review status: criteria provided, single submitter. Criteria: ICSL Variant Classification Criteria 13 December 2019. Collection method: clinical testing. Allele origin: germline.
Comment: This variant was observed in the ICSL laboratory as part of a predisposition screen in an ostensibly healthy population. It had not been previously curated by ICSL or reported in the Human Gene Mutation Database (HGMD: prior to June 1st, 2018), and was therefore a candidate for classification through an automated scoring system. Utilizing variant allele frequency, disease prevalence and penetrance estimates, and inheritance mode, an automated score was calculated to assess if this variant is too frequent to cause the disease. Based on the score and internal cut-off values, a variant classified as benign is not then subjected to further curation. The score for this variant resulted in a classification of benign for this disease.

NM_172351.3(CD46):c.*1498G>T

Gene: CD46 (CD46 molecule; plus strand). Cytogenetic location: 1q32.2.
Variant type: single nucleotide variant.
Coding change: c.*1498G>T on transcript NM_172351.3 (MANE Select); 1498 bases downstream of the stop codon, G replaced by T.
Molecular consequence: 3 prime UTR variant.
Genome position (GRCh38, 1-based): chr1:207,794,975, G>T. VCF-style: chr1-207794975-G-T. GRCh37 (hg19) VCF-style: chr1-207968320-G-T.
Other names: c.*1498G>T (LRG_155t1, NM_172352.3, NM_172355.3 and 2 more transcripts); c.*1384G>T (NM_153826.4, NM_172353.3, NM_172356.3 and 2 more transcripts); c.*1380G>T (NM_172350.3, NM_172358.3).
Identifiers: ClinVar variation 294990 (VCV000294990.5), dbSNP rs117431447, ClinGen allele CA10608952.